The following is an entry in ClinVar:

ClinVar aggregate classification (germline): Conflicting classifications of pathogenicity. Review status: criteria provided, conflicting classifications (1 of 4 stars). 2 submissions from 2 submitters: Uncertain risk allele (1); Likely benign (1). Last evaluated 2017-05-25.

Conditions:
Familial thoracic aortic aneurysm and aortic dissection (TAAD). Also called: Thoracic aortic aneurysms and dissections. Identifiers: Orphanet 91387, MedGen C4707243, MONDO:0019625.
Diabetic retinopathy. Identifiers: MedGen C0011884, MONDO:0005266.

Submissions (2):

Labcorp Genetics (formerly Invitae), Labcorp
Classification: Likely benign for Familial thoracic aortic aneurysm and aortic dissection. Last evaluated: 2017-05-25. Review status: criteria provided, single submitter. Criteria: Invitae Variant Classification Sherloc (09022015). Collection method: clinical testing. Allele origin: germline.

Clinical Genomics, Uppaluri K&H Personalized Medicine Clinic
Classification: Uncertain risk allele for Diabetic retinopathy. Review status: criteria provided, single submitter. Criteria: K And H Uppaluri Personalized Medicine Clinic Variant Classification And Assertion Criteria Updated V 2. Collection method: research. Allele origin: unknown.
Comment: Potent mutations in TGFBR2 gene encodes the transforming growth factor that have been associated with angiogenesis and diabetic retinopathy. More clinical studies are needed for stronger association. However, more evidence is required to confer the association of this particular variant rs1212599579 with diabetic retinopathy.

Literature cited by the submitters: PubMed 30222965 (cited by Clinical Genomics, Uppaluri K&H Personalized Medicine Clinic); PubMed 28162229 (cited by Clinical Genomics, Uppaluri K&H Personalized Medicine Clinic); PubMed 34572573 (cited by Clinical Genomics, Uppaluri K&H Personalized Medicine Clinic).

NM_003242.6(TGFBR2):c.372G>A (p.Lys124=)

Gene: TGFBR2 (transforming growth factor beta receptor 2; plus strand). Cytogenetic location: 3p24.1.
Variant type: single nucleotide variant.
Coding change: c.372G>A on transcript NM_003242.6 (MANE Select); coding-DNA position 372, G replaced by A.
Protein change: p.Lys124=; no amino-acid change (lysine 124 retained).
Molecular consequence: synonymous variant. On other transcripts: intron variant (2).
Genome position (GRCh38, 1-based): chr3:30,650,378, G>A. VCF-style: chr3-30650378-G-A. GRCh37 (hg19) VCF-style: chr3-30691870-G-A.
Other names: c.447G>A, p.Lys149= (NM_001024847.3, NM_001407126.1, NM_001407139.1); c.372G>A, p.Lys124= (NM_001407127.1, NM_001407130.1); c.399G>A, p.Lys133= (NM_001407128.1); c.267G>A, p.Lys89= (NM_001407129.1, NM_001407132.1, NM_001407133.1 and 3 more transcripts); c.170-21260G>A (NM_001407137.1); c.95-21260G>A (NM_001407138.1).
Identifiers: ClinVar variation 477545 (VCV000477545.5), dbSNP rs1212599579, ClinGen allele CA432917439.